The following is an entry in ClinVar:

ClinVar aggregate classification (germline): Pathogenic (1 of 4 stars; one submission).

Submission:

Labcorp Genetics (formerly Invitae), Labcorp
Classification: Pathogenic. Last evaluated: 2021-09-03. Review status: criteria provided, single submitter. Criteria: Invitae Variant Classification Sherloc (09022015). Collection method: clinical testing. Allele origin: germline.
Comment: This sequence change creates a premature translational stop signal (p.Thr312Asnfs*41) in the MSH3 gene. It is expected to result in an absent or disrupted protein product. Loss-of-function variants in MSH3 are known to be pathogenic (PMID: 27476653). This variant is not present in population databases (ExAC no frequency). This variant has not been reported in the literature in individuals affected with MSH3-related conditions. For these reasons, this variant has been classified as Pathogenic.

Literature cited by the submitters: PubMed 27476653.

NM_002439.5(MSH3):c.934dup (p.Thr312fs)

Genes: MSH3 (mutS homolog 3; plus strand), LOC126807437 (MED14-independent group 3 enhancer GRCh37_chr5:79968379-79969578; plus strand). Cytogenetic location: 5q14.1.
Variant type: Duplication.
Coding change: c.934dup on transcript NM_002439.5 (MANE Select); coding-DNA position 934, one base duplicated (A; older notation c.934dupA).
Protein change: p.Thr312fs; shifts the reading frame from threonine 312.
Molecular consequence: frameshift variant.
Genome position (GRCh38, 1-based): chr5:80,672,765, A duplicated; the last of 3 consecutive A bases (chr5:80,672,763-80,672,765); duplicating any one gives the same sequence. VCF-style (leftmost placement, unchanged base first): chr5-80672762-G-GA. GRCh37 (hg19) VCF-style: chr5-79968581-G-GA.
Other names: short protein forms T312fs.
Identifiers: ClinVar variation 1447179 (VCV001447179.6), dbSNP rs2112814246, ClinGen allele CA2573139895.
Genomic context (GRCh38, chr5:80,672,762, plus strand): 5'-TTTATCCTTTGATAGCAATATTTCTTATTTTTGTTGAAGGTGGGAGTTGTGAAGCAAACT[G>GA]AAACTGCAGCATTAAAGGCCATTGGAGACAACAGAAGTTCACTCTTTTCCCGGAAATTGA-3'